The following is an entry in ClinVar:

ClinVar aggregate classification (germline): Uncertain significance (1 of 4 stars; one submission).

Conditions:
Myopathy, proximal, and ophthalmoplegia (CMYO6). Also called: MYOPATHY WITH CONGENITAL JOINT CONTRACTURES, OPHTHALMOPLEGIA, AND RIMMED VACUOLES; INCLUSION BODY MYOPATHY 3, AUTOSOMAL DOMINANT; CONGENITAL MYOPATHY 6 WITH OPHTHALMOPLEGIA. Identifiers: Orphanet 363677, Orphanet 79091, MedGen C1854106, MONDO:0011577, OMIM 605637.

gnomAD v4.1: 7 of 1,613,900 alleles (0.00043%); highest among the groups gnomAD compares: Non-Finnish European, 0.00059%; no homozygotes.

Submission:

Labcorp Genetics (formerly Invitae), Labcorp
Classification: Uncertain significance for Myopathy, proximal, and ophthalmoplegia. Last evaluated: 2024-03-28. Review status: criteria provided, single submitter. Criteria: Invitae Variant Classification Sherloc (09022015). Collection method: clinical testing. Allele origin: germline.
Comment: This sequence change replaces alanine, which is neutral and non-polar, with glutamic acid, which is acidic and polar, at codon 1523 of the MYH2 protein (p.Ala1523Glu). This variant is not present in population databases (gnomAD no frequency). This variant has not been reported in the literature in individuals affected with MYH2-related conditions. Advanced modeling of protein sequence and biophysical properties (such as structural, functional, and spatial information, amino acid conservation, physicochemical variation, residue mobility, and thermodynamic stability) performed at Invitae indicates that this missense variant is not expected to disrupt MYH2 protein function with a negative predictive value of 80%. In summary, the available evidence is currently insufficient to determine the role of this variant in disease. Therefore, it has been classified as a Variant of Uncertain Significance.

NM_017534.6(MYH2):c.4568C>A (p.Ala1523Glu)

Genes: MYHAS (myosin heavy chain gene cluster antisense RNA; plus strand), MYH2 (myosin heavy chain 2; minus strand), LOC126862500 (BRD4-independent group 4 enhancer GRCh37_chr17:10427829-10429028; plus strand). Cytogenetic location: 17p13.1.
Variant type: single nucleotide variant.
Coding change: c.4568C>A on transcript NM_017534.6 (MANE Select); coding-DNA position 4568, C replaced by A.
Protein change: p.Ala1523Glu; replaces alanine 1523 with glutamic acid.
Molecular consequence: missense variant.
Genome position (GRCh38, 1-based): chr17:10,525,318, G>T on the plus strand (C>A on the coding strand, the complement: MYH2 is on the minus strand). VCF-style: chr17-10525318-G-T. GRCh37 (hg19) VCF-style: chr17-10428635-G-T.
Other names: c.4568C>A, p.Ala1523Glu (NM_001100112.2); short protein forms A1523E.
Identifiers: ClinVar variation 3630150 (VCV003630150.2).